The following is an entry in ClinVar:

ClinVar aggregate classification (germline): Uncertain significance. Review status: criteria provided, multiple submitters, no conflicts (2 of 4 stars). 3 submissions from 3 submitters: Uncertain significance (3). Last evaluated 2025-11-24.

Conditions:
Frontotemporal dementia and/or amyotrophic lateral sclerosis 1 (FTDALS1). Also called: Frontotemporal dementia with motor neuron disease 1; C9orf72 Frontotemporal Dementia and/or Amyotrophic Lateral Sclerosis. Identifiers: Orphanet 275872, MedGen C5779877, MONDO:0007105, OMIM 105550.
Paget disease of bone 2, early-onset (PDB2). Also called: Paget disease of bone 2. Identifiers: MedGen C4085251, MONDO:0011183, OMIM 602080.
Inborn genetic diseases. Identifiers: MedGen C0950123, MeSH D030342.
Paget disease of bone 3. Identifiers: MedGen C4085252, MONDO:0008176, OMIM 167250.

Allele frequency attached by ClinVar (database versions not stated): ExAC 0.00001; gnomAD 0.00001; gnomAD exomes 0.00001; TOPMed 0.00001; 1000 Genomes Project 30x 0.00016; 1000 Genomes Project 0.00020.
gnomAD v4.1: 7 of 1,614,210 alleles (0.00043%); highest among the groups gnomAD compares: Admixed American, 0.005%; no homozygotes.

Submissions (3):

Labcorp Genetics (formerly Invitae), Labcorp
Classification: Uncertain significance for Paget disease of bone 2, early-onset; Frontotemporal dementia and/or amyotrophic lateral sclerosis 1. Last evaluated: 2025-11-24. Review status: criteria provided, single submitter. Criteria: Invitae Variant Classification Sherloc (09022015). Collection method: clinical testing. Allele origin: germline.
Comment: This sequence change replaces threonine, which is neutral and polar, with isoleucine, which is neutral and non-polar, at codon 269 of the SQSTM1 protein (p.Thr269Ile). This variant is present in population databases (rs185313167, gnomAD 0.003%). This variant has not been reported in the literature in individuals affected with SQSTM1-related conditions. ClinVar contains an entry for this variant (Variation ID: 903993). Invitae Evidence Modeling of protein sequence and biophysical properties (such as structural, functional, and spatial information, amino acid conservation, physicochemical variation, residue mobility, and thermodynamic stability) indicates that this missense variant is not expected to disrupt SQSTM1 protein function with a negative predictive value of 80%. In summary, the available evidence is currently insufficient to determine the role of this variant in disease. Therefore, it has been classified as a Variant of Uncertain Significance.

Ambry Genetics
Classification: Uncertain significance for Inborn genetic diseases. Last evaluated: 2025-05-05. Review status: criteria provided, single submitter. Criteria: Ambry Variant Classification Scheme 2023. Collection method: clinical testing. Allele origin: germline.

Illumina Laboratory Services, Illumina
Classification: Uncertain significance for Paget disease of bone 3. Last evaluated: 2017-04-28. Review status: criteria provided, single submitter. Criteria: ICSL Variant Classification Criteria 13 December 2019. Collection method: clinical testing. Allele origin: germline.

NM_003900.5(SQSTM1):c.806C>T (p.Thr269Ile)

Gene: SQSTM1 (sequestosome 1; plus strand). Cytogenetic location: 5q35.3.
Variant type: single nucleotide variant.
Coding change: c.806C>T on transcript NM_003900.5 (MANE Select); coding-DNA position 806, C replaced by T.
Protein change: p.Thr269Ile; replaces threonine 269 with isoleucine.
Molecular consequence: missense variant.
Genome position (GRCh38, 1-based): chr5:179,833,083, C>T. VCF-style: chr5-179833083-C-T. GRCh37 (hg19) VCF-style: chr5-179260083-C-T.
Other names: c.554C>T, p.Thr185Ile (NM_001142298.2, NM_001142299.2); short protein forms T185I, T269I.
Identifiers: ClinVar variation 903993 (VCV000903993.7), dbSNP rs185313167, ClinGen allele CA3600691.
Genomic context (GRCh38, chr5:179,833,083, plus strand): 5'-CGCCTCTAGGCATTGAAGTTGATATCGATGTGGAGCACGGAGGGAAAAGAAGCCGCCTGA[C>T]CCCCGTCTCTCCAGAGAGTTCCAGCACAGAGGAGAAGAGCAGCTCACAGCCAAGCAGCTG-3'
Protein context (NP_003891.1, residues 259-279): VEHGGKRSRL[Thr269Ile]PVSPESSSTE